The following is an entry in ClinVar:

ClinVar aggregate classification (germline): Benign. Review status: criteria provided, multiple submitters, no conflicts (2 of 4 stars). 9 submissions from 9 submitters: Benign (9). Last evaluated 2026-02-01.

Conditions:
Focal segmental glomerulosclerosis 2 (FSGS2). Identifiers: Orphanet 656, MedGen C1858915, MONDO:0011390, OMIM 603965.

Allele frequency attached by ClinVar (database versions not stated): gnomAD exomes 0.22823; ExAC 0.23985; 1000 Genomes Project 0.29892; 1000 Genomes Project 30x 0.30543; gnomAD 0.30843 and 0.31538; TOPMed 0.31376; ESP Exome Variant Server 0.33397.
gnomAD v4.1: 397,840 of 1,613,812 alleles (25%); highest among the groups gnomAD compares: African/African-American, 54%; 53,748 homozygotes.

Submissions (9):

Labcorp Genetics (formerly Invitae), Labcorp
Classification: Benign. Last evaluated: 2026-02-01. Review status: criteria provided, single submitter. Criteria: Invitae Variant Classification Sherloc (09022015). Collection method: clinical testing. Allele origin: germline.

Blueprint Genetics
Classification: Benign. Last evaluated: 2024-11-27. Review status: criteria provided, single submitter. Criteria: ACMG Guidelines, 2015. Collection method: clinical testing. Allele origin: germline.

Unidad de Genómica Garrahan, Hospital de Pediatría Garrahan
Classification: Benign. Last evaluated: 2024-07-15. Review status: criteria provided, single submitter. Criteria: ACMG Guidelines, 2015. Collection method: clinical testing. Allele origin: germline. Affected: no. Observed: 41 variant alleles.
Comment: This variant is classified as Benign based on local population frequency. This variant was detected in 44% of patients studied in a panel designed for Epileptic and Developmental Encephalopathy and Progressive Myoclonus Epilepsy. Number of patients: 41. Only high quality variants are reported.

Mayo Clinic Laboratories, Mayo Clinic
Classification: Benign. Last evaluated: 2022-03-09. Review status: criteria provided, single submitter. Criteria: ACMG Guidelines, 2015. Collection method: clinical testing. Allele origin: germline. Observed: 62 variant alleles.

GeneDx
Classification: Benign. Last evaluated: 2019-11-30. Review status: criteria provided, single submitter. Criteria: GeneDx Variant Classification Process June 2021. Collection method: clinical testing. Allele origin: germline. Affected: yes.

Illumina Laboratory Services, Illumina
Classification: Benign for Focal segmental glomerulosclerosis 2. Last evaluated: 2018-01-12. Review status: criteria provided, single submitter. Criteria: ICSL Variant Classification Criteria 13 December 2019. Collection method: clinical testing. Allele origin: germline.
Comment: This variant was observed in the ICSL laboratory as part of a predisposition screen in an ostensibly healthy population. It had not been previously curated by ICSL or reported in the Human Gene Mutation Database (HGMD: prior to June 1st, 2018), and was therefore a candidate for classification through an automated scoring system. Utilizing variant allele frequency, disease prevalence and penetrance estimates, and inheritance mode, an automated score was calculated to assess if this variant is too frequent to cause the disease. Based on the score and internal cut-off values, a variant classified as benign is not then subjected to further curation. The score for this variant resulted in a classification of benign for this disease.

Athena Diagnostics
Classification: Benign. Last evaluated: 2017-04-14. Review status: criteria provided, single submitter. Criteria: Athena Diagnostics Criteria. Collection method: clinical testing. Allele origin: germline.

Breakthrough Genomics
Classification: Benign. Review status: criteria provided, single submitter. Criteria: ACMG Guidelines, 2015. Collection method: not provided. Allele origin: germline. Inheritance: Autosomal dominant inheritance. Affected: yes.

PreventionGenetics, part of Exact Sciences
Classification: Benign. Review status: criteria provided, single submitter. Criteria: ACMG Guidelines, 2015. Collection method: clinical testing. Allele origin: germline.

NM_004621.6(TRPC6):c.1683T>C (p.Asn561=)

Gene: TRPC6 (transient receptor potential cation channel subfamily C member 6; minus strand). Cytogenetic location: 11q22.1.
Variant type: single nucleotide variant.
Coding change: c.1683T>C on transcript NM_004621.6 (MANE Select); coding-DNA position 1683, T replaced by C.
Protein change: p.Asn561=; no amino-acid change (asparagine 561 retained).
Molecular consequence: synonymous variant.
Genome position (GRCh38, 1-based): chr11:101,476,362, A>G on the plus strand (T>C on the coding strand, the complement: TRPC6 is on the minus strand). VCF-style: chr11-101476362-A-G. GRCh37 (hg19) VCF-style: chr11-101347093-A-G.
Other names: p.Asn561=.
Identifiers: ClinVar variation 259455 (VCV000259455.22), dbSNP rs12366144, ClinGen allele CA6244286.